The following is an entry in ClinVar:

NM_025243.4(SLC19A3):c.607C>T (p.Pro203Ser)

Gene: SLC19A3 (solute carrier family 19 member 3; minus strand). Cytogenetic location: 2q36.3.
Variant type: single nucleotide variant.
Coding change: c.607C>T on transcript NM_025243.4 (MANE Select); coding-DNA position 607, C replaced by T.
Protein change: p.Pro203Ser; replaces proline 203 with serine.
Molecular consequence: missense variant.
Genome position (GRCh38, 1-based): chr2:227,699,108, G>A on the plus strand (C>T on the coding strand, the complement: SLC19A3 is on the minus strand). VCF-style: chr2-227699108-G-A. GRCh37 (hg19) VCF-style: chr2-228563824-G-A.
Other names: c.607C>T, p.Pro203Ser (NM_001371411.1, NM_001371412.1); c.595C>T, p.Pro199Ser (NM_001371413.1, NM_001371414.1); short protein forms P199S, P203S.
Identifiers: ClinVar variation 1046767 (VCV001046767.7), dbSNP rs767146802, ClinGen allele CA2149261.
Genomic context (GRCh38, chr2:227,699,108, plus strand): 5'-CTTCGTGAGTTTCCTCTAATACTGGATTCACGCTTGATGACTTCTTTATTTCTCTGCTGG[G>A]TTTTGCATGAAAAAACATGCTTTTCTTGGGCATTGGTAGGAAAAGTGAGAAAAGGAAAGC-3'
Protein context (NP_079519.1, residues 193-213): PKKSMFFHAK[Pro203Ser]SREIKKSSSV

ClinVar aggregate classification (germline): Uncertain significance. Review status: criteria provided, multiple submitters, no conflicts (2 of 4 stars). 2 submissions from 2 submitters: Uncertain significance (2). Last evaluated 2022-12-24.

Conditions:
Biotin-responsive basal ganglia disease (BTBGD). Also called: Thiamine Transporter-2 Deficiency; Thiamine metabolism dysfunction syndrome type 2; THIAMINE METABOLISM DYSFUNCTION SYNDROME 2 (BIOTIN- AND THIAMINE-RESPONSIVE TYPE); Thiamine metabolism dysfunction syndrome 2 (biotin- or thiamine-responsive encephalopathy type 2); thiamine-responsive encephalopathy. Identifiers: Orphanet 199348, Orphanet 65284, MedGen C1843807, MONDO:0011841, OMIM 607483.

Allele frequency attached by ClinVar (database versions not stated): ExAC 0.00002; gnomAD exomes 0.00002 and 0.00006.
gnomAD v4.1: 90 of 1,614,132 alleles (0.0056%); highest among the groups gnomAD compares: Non-Finnish European, 0.0075%; no homozygotes.

Submissions (2):

Women's Health and Genetics/Laboratory Corporation of America, LabCorp
Classification: Uncertain significance. Last evaluated: 2022-12-24. Review status: criteria provided, single submitter. Criteria: LabCorp Variant Classification Summary - May 2015. Collection method: clinical testing. Allele origin: germline.
Comment: Variant summary: SLC19A3 c.607C>T (p.Pro203Ser) results in a non-conservative amino acid change in the encoded protein sequence. Four of five in-silico tools predict a benign effect of the variant on protein function. The variant allele was found at a frequency of 2.4e-05 in 251430 control chromosomes. The available data on variant occurrences in the general population are insufficient to allow any conclusion about variant significance. To our knowledge, no occurrence of c.607C>T in individuals affected with Biotin-Responsive Basal Ganglia Disease and no experimental evidence demonstrating its impact on protein function have been reported. One clinical diagnostic laboratory has submitted clinical-significance assessments for this variant to ClinVar after 2014 without evidence for independent evaluation and classified the variant as uncertain significance. Based on the evidence outlined above, the variant was classified as uncertain significance.

Labcorp Genetics (formerly Invitae), Labcorp
Classification: Uncertain significance for Biotin-responsive basal ganglia disease. Last evaluated: 2022-10-05. Review status: criteria provided, single submitter. Criteria: Invitae Variant Classification Sherloc (09022015). Collection method: clinical testing. Allele origin: germline.
Comment: This sequence change replaces proline, which is neutral and non-polar, with serine, which is neutral and polar, at codon 203 of the SLC19A3 protein (p.Pro203Ser). This variant is present in population databases (rs767146802, gnomAD 0.005%). This variant has not been reported in the literature in individuals affected with SLC19A3-related conditions. ClinVar contains an entry for this variant (Variation ID: 1046767). Advanced modeling of protein sequence and biophysical properties (such as structural, functional, and spatial information, amino acid conservation, physicochemical variation, residue mobility, and thermodynamic stability) performed at Invitae indicates that this missense variant is not expected to disrupt SLC19A3 protein function. In summary, the available evidence is currently insufficient to determine the role of this variant in disease. Therefore, it has been classified as a Variant of Uncertain Significance.